The following is an entry in ClinVar:

NM_021625.5(TRPV4):c.2269C>T (p.Arg757Cys)

Gene: TRPV4 (transient receptor potential cation channel subfamily V member 4; minus strand). Cytogenetic location: 12q24.11.
Variant type: single nucleotide variant.
Coding change: c.2269C>T on transcript NM_021625.5 (MANE Select); coding-DNA position 2269, C replaced by T.
Protein change: p.Arg757Cys; replaces arginine 757 with cysteine.
Molecular consequence: missense variant.
Genome position (GRCh38, 1-based): chr12:109,786,777, G>A on the plus strand (C>T on the coding strand, the complement: TRPV4 is on the minus strand). VCF-style: chr12-109786777-G-A. GRCh37 (hg19) VCF-style: chr12-110224582-G-A.
Other names: c.2128C>T, p.Arg710Cys (NM_001177428.2); c.2167C>T, p.Arg723Cys (NM_001177431.2); c.1948C>T, p.Arg650Cys (NM_001177433.2); c.2089C>T, p.Arg697Cys (NM_147204.3); short protein forms R650C, R697C, R710C, R723C, R757C.
Identifiers: ClinVar variation 993715 (VCV000993715.18), dbSNP rs757814511, ClinGen allele CA6779975.

ClinVar aggregate classification (germline): Uncertain significance. Review status: criteria provided, multiple submitters, no conflicts (2 of 4 stars). 4 submissions from 4 submitters: Uncertain significance (4). Last evaluated 2025-10-01.

Conditions:
Inborn genetic diseases. Identifiers: MedGen C0950123, MeSH D030342.
Charcot-Marie-Tooth disease axonal type 2C (HMSN2C). Also called: Charcot-Marie-Tooth Disease Type 2, TRPV4-Related (CMT2C); CHARCOT-MARIE-TOOTH DISEASE, AXONAL, AUTOSOMAL DOMINANT, TYPE 2C; Charcot-Marie-Tooth Neuropathy Type 2C. Identifiers: Orphanet 99937, MedGen C1853710, MONDO:0011633, OMIM 606071.

Allele frequency attached by ClinVar (database versions not stated): gnomAD exomes 0.00001; ExAC 0.00002; gnomAD 0.00002; TOPMed 0.00002.

Submissions (4):

Labcorp Genetics (formerly Invitae), Labcorp
Classification: Uncertain significance for Charcot-Marie-Tooth disease axonal type 2C. Last evaluated: 2025-10-01. Review status: criteria provided, single submitter. Criteria: Invitae Variant Classification Sherloc (09022015). Collection method: clinical testing. Allele origin: germline.
Comment: This sequence change replaces arginine, which is basic and polar, with cysteine, which is neutral and slightly polar, at codon 757 of the TRPV4 protein (p.Arg757Cys). This variant is present in population databases (rs757814511, gnomAD 0.006%). This variant has not been reported in the literature in individuals affected with TRPV4-related conditions. ClinVar contains an entry for this variant (Variation ID: 993715). Invitae Evidence Modeling of protein sequence and biophysical properties (such as structural, functional, and spatial information, amino acid conservation, physicochemical variation, residue mobility, and thermodynamic stability) has been performed for this missense variant. However, the output from this modeling did not meet the statistical confidence thresholds required to predict the impact of this variant on TRPV4 protein function. In summary, the available evidence is currently insufficient to determine the role of this variant in disease. Therefore, it has been classified as a Variant of Uncertain Significance.

GeneDx
Classification: Uncertain significance. Last evaluated: 2025-05-05. Review status: criteria provided, single submitter. Criteria: GeneDx Variant Classification Process June 2021. Collection method: clinical testing. Allele origin: germline. Affected: yes.
Comment: In silico analysis supports that this missense variant has a deleterious effect on protein structure/function; Has not been previously published as pathogenic or benign to our knowledge

Ambry Genetics
Classification: Uncertain significance for Inborn genetic diseases. Last evaluated: 2023-10-10. Review status: criteria provided, single submitter. Criteria: Ambry Variant Classification Scheme 2023. Collection method: clinical testing. Allele origin: germline.

ARUP Laboratories, Molecular Genetics and Genomics, ARUP Laboratories
Classification: Uncertain significance. Last evaluated: 2020-07-28. Review status: criteria provided, single submitter. Criteria: ARUP Molecular Germline Variant Investigation Process. Collection method: clinical testing. Allele origin: germline.
Comment: The TRPV4 c.2269C>T; p.Arg757Cys variant (rs757814511), to our knowledge, is not reported in the medical literature or gene specific databases. This variant is only observed on two alleles in the Genome Aggregation Database, indicating it is not a common polymorphism. The arginine at codon 757 is moderately conserved, and computational analyses (SIFT, PolyPhen-2) predict that this variant is deleterious. Due to limited information, the clinical significance of the p.Arg757Cys variant is uncertain at this time.